The following is an entry in ClinVar:

ClinVar aggregate classification (germline): Pathogenic/Likely pathogenic. Review status: criteria provided, multiple submitters, no conflicts (2 of 4 stars). 5 submissions from 5 submitters: Pathogenic (3); Likely pathogenic (2). Last evaluated 2026-04-16.

Conditions:
Vesicoureteral reflux 8 (VUR8). Identifiers: Orphanet 289365, MedGen C4014831, MONDO:0014422, OMIM 615963.
Ehlers-Danlos syndrome due to tenascin-X deficiency (EDSCLL1). Also called: EDS DUE TO TNX DEFICIENCY; EHLERS-DANLOS SYNDROME, CLASSIC-LIKE; Ehlers-Danlos syndrome, classic-like, 1; TNX DEFICIENCY; TNXB-Related Classical-Like Ehlers-Danlos Syndrome. Identifiers: Orphanet 230839, MedGen C1848029, MONDO:0011670, OMIM 606408.
Cardiovascular phenotype. Identifiers: MedGen CN230736.

Allele frequency attached by ClinVar (database versions not stated): gnomAD exomes below 0.00001; ExAC 0.00001.
gnomAD v4.1: 4 of 1,605,658 alleles (0.00025%); highest among the groups gnomAD compares: South Asian, 0.0011%; no homozygotes.

Submissions (5):

Ambry Genetics
Classification: Pathogenic for Cardiovascular phenotype. Last evaluated: 2026-04-16. Review status: criteria provided, single submitter. Criteria: Ambry Variant Classification Scheme 2023. Collection method: clinical testing. Allele origin: germline.
Comment: The p.R3429* pathogenic mutation (also known as c.10285C>T), located in coding exon 29 of the TNXB gene, results from a C to T substitution at nucleotide position 10285. This changes the amino acid from an arginine to a stop codon within coding exon 29. This variant is considered to be rare based on population cohorts in the Genome Aggregation Database (gnomAD). This variant is expected to result in loss of function by premature protein truncation or nonsense-mediated mRNA decay. As such, this variant is interpreted as a disease-causing mutation.

CeGaT Center for Human Genetics Tuebingen
Classification: Pathogenic. Last evaluated: 2025-08-01. Review status: criteria provided, single submitter. Criteria: CeGaT Center For Human Genetics Tuebingen Variant Classification Criteria Version 2. Collection method: clinical testing. Allele origin: germline. Affected: yes. Observed: 1 variant allele.
Comment: TNXB: PVS1, PM2

Myriad Genetics, Inc.
Classification: Pathogenic for Ehlers-Danlos syndrome due to tenascin-X deficiency. Last evaluated: 2024-05-18. Review status: criteria provided, single submitter. Criteria: Myriad Autosomal Dominant, Autosomal Recessive and X-Linked Classification Criteria (2023). Collection method: clinical testing. Allele origin: unknown.
Comment: NM_019105.6(TNXB):c.10285C>T(R3429*) is expected to be pathogenic in the context of classical-like Ehlers-Danlos syndrome, TNXB-related. This variant is predicted to lead to an abnormal or absent protein product due to the creation of a premature termination codon in TNXB, a gene where loss-of-function variants are known to be pathogenic. Please note: this variant was assessed in the context of healthy population screening.

Fulgent Genetics
Classification: Likely pathogenic for Ehlers-Danlos syndrome due to tenascin-X deficiency; Vesicoureteral reflux 8. Last evaluated: 2024-03-18. Review status: criteria provided, single submitter. Criteria: ACMG Guidelines, 2015. Collection method: clinical testing. Allele origin: germline.

Revvity Omics, Revvity
Classification: Likely pathogenic for Vesicoureteral reflux 8. Last evaluated: 2022-12-21. Review status: criteria provided, single submitter. Criteria: ACMG Guidelines, 2015. Collection method: clinical testing. Allele origin: germline.

NM_001365276.2(TNXB):c.10291C>T (p.Arg3431Ter)

Genes: TNXB (tenascin XB; minus strand), LOC126859654 (P300/CBP strongly-dependent group 1 enhancer GRCh37_chr6:32014364-32015563; plus strand). Cytogenetic location: 6p21.33.
Variant type: single nucleotide variant.
Coding change: c.10291C>T on transcript NM_001365276.2 (MANE Select); coding-DNA position 10291, C replaced by T.
Protein change: p.Arg3431Ter; replaces arginine 3431 with a stop codon.
Molecular consequence: nonsense.
Genome position (GRCh38, 1-based): chr6:32,047,767, G>A on the plus strand (C>T on the coding strand, the complement: TNXB is on the minus strand). VCF-style: chr6-32047767-G-A. GRCh37 (hg19) VCF-style: chr6-32015544-G-A.
Other names: c.10285C>T (NM_019105.6); c.10285C>T, p.Arg3429Ter (NM_019105.8); short protein forms R3429*, R3431*.
Identifiers: ClinVar variation 2434194 (VCV002434194.15), dbSNP rs762652171, ClinGen allele CA3733268.